The following is an entry in ClinVar:

ClinVar aggregate classification (germline): Conflicting classifications of pathogenicity. Review status: criteria provided, conflicting classifications (1 of 4 stars). 3 submissions from 3 submitters: Uncertain significance (2); Likely benign (1). Last evaluated 2026-05-05.

Conditions:
Inborn genetic diseases. Identifiers: MedGen C0950123, MeSH D030342.
DDX41-related hematologic malignancy predisposition syndrome. Also called: Myeloproliferative/lymphoproliferative neoplasms, familial (multiple types), susceptibility to; DDX41-Associated Familial Myelodysplastic Syndrome and Acute Myeloid Leukemia. Identifiers: Orphanet 488647, MedGen C4225174, MONDO:0014809, OMIM 616871.

gnomAD v4.1: 6 of 1,613,736 alleles (0.00037%); highest among the groups gnomAD compares: South Asian, 0.0022%; no homozygotes.

Submissions (3):

Ambry Genetics
Classification: Likely benign for Inborn genetic diseases. Last evaluated: 2026-05-05. Review status: criteria provided, single submitter. Criteria: Ambry Variant Classification Scheme 2023. Collection method: clinical testing. Allele origin: germline.

Labcorp Genetics (formerly Invitae), Labcorp
Classification: Uncertain significance. Last evaluated: 2025-07-03. Review status: criteria provided, single submitter. Criteria: Invitae Variant Classification Sherloc (09022015). Collection method: clinical testing. Allele origin: germline.
Comment: This sequence change falls in intron 15 of the DDX41 gene. It does not directly change the encoded amino acid sequence of the DDX41 protein. It affects a nucleotide within the consensus splice site. This variant is present in population databases (rs200471726, gnomAD 0.003%). This variant has not been reported in the literature in individuals affected with DDX41-related conditions. ClinVar contains an entry for this variant (Variation ID: 3241314). Variants that disrupt the consensus splice site are a relatively common cause of aberrant splicing (PMID: 17576681, 9536098). Algorithms developed to predict the effect of sequence changes on RNA splicing suggest that this variant is not likely to affect RNA splicing. In summary, the available evidence is currently insufficient to determine the role of this variant in disease. Therefore, it has been classified as a Variant of Uncertain Significance.

Baylor Genetics
Classification: Uncertain significance for DDX41-related hematologic malignancy predisposition syndrome. Last evaluated: 2023-11-09. Review status: criteria provided, single submitter. Criteria: ACMG Guidelines, 2015. Collection method: clinical testing. Allele origin: unknown.

Literature cited by the submitters: PubMed 17576681 (cited by Labcorp Genetics (formerly Invitae), Labcorp); PubMed 9536098 (cited by Labcorp Genetics (formerly Invitae), Labcorp).

NM_016222.4(DDX41):c.1622-3C>A

Gene: DDX41 (DEAD-box helicase 41; minus strand). Cytogenetic location: 5q35.3.
Variant type: single nucleotide variant.
Coding change: c.1622-3C>A on transcript NM_016222.4 (MANE Select); 3 bases into the intron before coding-DNA position 1622, C replaced by A.
Molecular consequence: intron variant.
Genome position (GRCh38, 1-based): chr5:177,512,209, G>T on the plus strand (C>A on the coding strand, the complement: DDX41 is on the minus strand). VCF-style: chr5-177512209-G-T. GRCh37 (hg19) VCF-style: chr5-176939210-G-T.
Other names: c.1244-3C>A (NM_001321830.2, NM_001321732.2); c.1622-3C>A (NM_016222.2).
Identifiers: ClinVar variation 3241314 (VCV003241314.4), dbSNP rs200471726.